The following is an entry in ClinVar:

ClinVar aggregate classification (germline): Uncertain significance. Review status: criteria provided, multiple submitters, no conflicts (2 of 4 stars). 4 submissions from 4 submitters: Uncertain significance (4). Last evaluated 2025-10-07.

Conditions:
Inborn genetic diseases. Identifiers: MedGen C0950123, MeSH D030342.
Cortical dysplasia-focal epilepsy syndrome (PTHSL1). Also called: Pitt-Hopkins-like syndrome 1. Identifiers: Orphanet 163681, Orphanet 221150, MedGen C2750246, MONDO:0012400, OMIM 610042.

Allele frequency attached by ClinVar (database versions not stated): gnomAD exomes below 0.00001; TOPMed 0.00001.
gnomAD v4.1: 1 of 1,552,676 alleles (0.000064%); highest among the groups gnomAD compares: Non-Finnish European, 0.000087%; no homozygotes.

Submissions (4):

Ambry Genetics
Classification: Uncertain significance for Inborn genetic diseases. Last evaluated: 2025-10-07. Review status: criteria provided, single submitter. Criteria: Ambry Variant Classification Scheme 2023. Collection method: clinical testing. Allele origin: germline.

Labcorp Genetics (formerly Invitae), Labcorp
Classification: Uncertain significance for Cortical dysplasia-focal epilepsy syndrome. Last evaluated: 2021-08-27. Review status: criteria provided, single submitter. Criteria: Invitae Variant Classification Sherloc (09022015). Collection method: clinical testing. Allele origin: germline.
Comment: This sequence change replaces tryptophan with cysteine at codon 16 of the CNTNAP2 protein (p.Trp16Cys). The tryptophan residue is weakly conserved and there is a large physicochemical difference between tryptophan and cysteine. The frequency data for this variant in the population databases is considered unreliable, as metrics indicate insufficient coverage at this position in the ExAC database. This variant has not been reported in the literature in individuals affected with CNTNAP2-related conditions. ClinVar contains an entry for this variant (Variation ID: 289060). Algorithms developed to predict the effect of missense changes on protein structure and function are either unavailable or do not agree on the potential impact of this missense change (SIFT: "Deleterious"; PolyPhen-2: "Benign"; Align-GVGD: "Class C0"). In summary, the available evidence is currently insufficient to determine the role of this variant in disease. Therefore, it has been classified as a Variant of Uncertain Significance.

GeneDx
Classification: Uncertain significance. Last evaluated: 2021-02-15. Review status: criteria provided, single submitter. Criteria: GeneDx Variant Classification Process June 2021. Collection method: clinical testing. Allele origin: germline. Affected: yes.
Comment: Not observed in large population cohorts (Lek et al., 2016); In silico analysis supports that this missense variant does not alter protein structure/function; Has not been previously published as pathogenic or benign to our knowledge

Eurofins Ntd Llc (ga)
Classification: Uncertain significance. Last evaluated: 2016-07-14. Review status: criteria provided, single submitter. Criteria: EGL Classification Definitions 2015. Collection method: clinical testing. Allele origin: germline. Observed: 1 variant allele, 1 heterozygote.

NM_014141.6(CNTNAP2):c.48G>T (p.Trp16Cys)

Gene: CNTNAP2 (contactin associated protein 2; plus strand). Cytogenetic location: 7q35.
Variant type: single nucleotide variant.
Coding change: c.48G>T on transcript NM_014141.6 (MANE Select); coding-DNA position 48, G replaced by T.
Protein change: p.Trp16Cys; replaces tryptophan 16 with cysteine.
Molecular consequence: missense variant.
Genome position (GRCh38, 1-based): chr7:146,116,924, G>T. VCF-style: chr7-146116924-G-T. GRCh37 (hg19) VCF-style: chr7-145814016-G-T.
Other names: short protein forms W16C.
Identifiers: ClinVar variation 289060 (VCV000289060.15), dbSNP rs886044073, ClinGen allele CA10606315.
Genomic context (GRCh38, chr7:146,116,924, plus strand): 5'-CGGGAGGCGAAGGATGCAGGCGGCTCCGCGCGCCGGCTGCGGGGCAGCGCTCCTGCTGTG[G>T]ATTGTCAGCAGCTGCCTCTGCAGAGCCTGGACGGCTCCCTCCACGTCCCGTAAGTAGCCG-3'
Protein context (NP_054860.1, residues 6-26): RAGCGAALLL[Trp16Cys]IVSSCLCRAW